The following is an entry in ClinVar:

ClinVar aggregate classification (germline): Uncertain significance (1 of 4 stars; one submission).

gnomAD v4.1: 34 of 1,578,344 alleles (0.0022%); highest among the groups gnomAD compares: Non-Finnish European, 0.0026%; no homozygotes.

Submission:

Labcorp Genetics (formerly Invitae), Labcorp
Classification: Uncertain significance. Last evaluated: 2024-09-03. Review status: criteria provided, single submitter. Criteria: Invitae Variant Classification Sherloc (09022015). Collection method: clinical testing. Allele origin: germline.
Comment: This sequence change replaces valine, which is neutral and non-polar, with methionine, which is neutral and non-polar, at codon 183 of the VAV1 protein (p.Val183Met). The frequency data for this variant in the population databases is considered unreliable, as metrics indicate poor data quality at this position in the gnomAD database. This variant has not been reported in the literature in individuals affected with VAV1-related conditions. An algorithm developed to predict the effect of missense changes on protein structure and function outputs the following: PolyPhen-2: "Benign". The methionine amino acid residue is found in multiple mammalian species, which suggests that this missense change does not adversely affect protein function. In summary, the available evidence is currently insufficient to determine the role of this variant in disease. Therefore, it has been classified as a Variant of Uncertain Significance.

NM_005428.4(VAV1):c.547G>A (p.Val183Met)

Gene: VAV1 (vav guanine nucleotide exchange factor 1; plus strand). Cytogenetic location: 19p13.3.
Variant type: single nucleotide variant.
Coding change: c.547G>A on transcript NM_005428.4 (MANE Select); coding-DNA position 547, G replaced by A.
Protein change: p.Val183Met; replaces valine 183 with methionine.
Molecular consequence: missense variant.
Genome position (GRCh38, 1-based): chr19:6,822,318, G>A. VCF-style: chr19-6822318-G-A. GRCh37 (hg19) VCF-style: chr19-6822329-G-A.
Other names: c.547G>A, p.Val183Met (NM_001258206.2, NM_001258207.2); short protein forms V183M.
Identifiers: ClinVar variation 3677270 (VCV003677270.2).